The following is an entry in ClinVar:

ClinVar aggregate classification (germline): Uncertain significance (1 of 4 stars; one submission).

Allele frequency attached by ClinVar (database versions not stated): gnomAD exomes below 0.00001; gnomAD 0.00001.
gnomAD v4.1: 2 of 1,614,052 alleles (0.00012%); highest among the groups gnomAD compares: African/African-American, 0.0027%; no homozygotes.

Submission:

Labcorp Genetics (formerly Invitae), Labcorp
Classification: Uncertain significance. Last evaluated: 2022-09-27. Review status: criteria provided, single submitter. Criteria: Invitae Variant Classification Sherloc (09022015). Collection method: clinical testing. Allele origin: germline.
Comment: In summary, the available evidence is currently insufficient to determine the role of this variant in disease. Therefore, it has been classified as a Variant of Uncertain Significance. Advanced modeling of protein sequence and biophysical properties (such as structural, functional, and spatial information, amino acid conservation, physicochemical variation, residue mobility, and thermodynamic stability) performed at Invitae indicates that this missense variant is not expected to disrupt CNGB1 protein function. ClinVar contains an entry for this variant (Variation ID: 1416352). This variant has not been reported in the literature in individuals affected with CNGB1-related conditions. This variant is present in population databases (no rsID available, gnomAD 0.01%). This sequence change replaces isoleucine, which is neutral and non-polar, with threonine, which is neutral and polar, at codon 1098 of the CNGB1 protein (p.Ile1098Thr).

NM_001297.5(CNGB1):c.3293T>C (p.Ile1098Thr)

Gene: CNGB1 (cyclic nucleotide gated channel subunit beta 1; minus strand). Cytogenetic location: 16q21.
Variant type: single nucleotide variant.
Coding change: c.3293T>C on transcript NM_001297.5 (MANE Select); coding-DNA position 3293, T replaced by C.
Protein change: p.Ile1098Thr; replaces isoleucine 1098 with threonine.
Molecular consequence: missense variant.
Genome position (GRCh38, 1-based): chr16:57,888,024, A>G on the plus strand (T>C on the coding strand, the complement: CNGB1 is on the minus strand). VCF-style: chr16-57888024-A-G. GRCh37 (hg19) VCF-style: chr16-57921928-A-G.
Other names: c.3275T>C, p.Ile1092Thr (NM_001286130.2); short protein forms I1098T, I1092T.
Identifiers: ClinVar variation 1416352 (VCV001416352.8), dbSNP rs1432448949, ClinGen allele CA396062215.